The following is an entry in ClinVar:

NM_024921.4(POF1B):c.337A>G (p.Ile113Val)

Gene: POF1B (POF1B actin binding protein; minus strand). Cytogenetic location: Xq21.1.
Variant type: single nucleotide variant.
Coding change: c.337A>G on transcript NM_024921.4 (MANE Select); coding-DNA position 337, A replaced by G.
Protein change: p.Ile113Val; replaces isoleucine 113 with valine.
Molecular consequence: missense variant.
Genome position (GRCh38, 1-based): chrX:85,367,712, T>C on the plus strand (A>G on the coding strand, the complement: POF1B is on the minus strand). VCF-style: chrX-85367712-T-C. GRCh37 (hg19) VCF-style: chrX-84622717-T-C.
Other names: c.337A>G, p.Ile113Val (NM_001307940.2); short protein forms I113V.
Identifiers: ClinVar variation 3308231 (VCV003308231.2).

ClinVar aggregate classification (germline): Conflicting classifications of pathogenicity. Review status: criteria provided, conflicting classifications (1 of 4 stars). 2 submissions from 2 submitters: Uncertain significance (1); Likely benign (1). Last evaluated 2026-02-04.

Conditions:
POF1B-related disorder. Also called: POF1B-related condition.

gnomAD v4.1: 35 of 1,172,042 alleles (0.003%); highest among the groups gnomAD compares: African/African-American, 0.059%; no homozygotes.

Submissions (2):

PreventionGenetics, part of Exact Sciences
Classification: Likely benign for POF1B-related condition. Last evaluated: 2026-02-04. Review status: criteria provided, single submitter. Criteria: ACMG Guidelines, 2015. Collection method: clinical testing. Allele origin: germline.
Comment: This variant is classified as likely benign based on ACMG/AMP sequence variant interpretation guidelines (Richards et al. 2015 PMID: 25741868, with internal and published modifications).

Ambry Genetics
Classification: Uncertain significance. Last evaluated: 2024-03-18. Review status: criteria provided, single submitter. Criteria: Ambry Variant Classification Scheme 2023. Collection method: clinical testing. Allele origin: germline.